The following is an entry in ClinVar:

NM_002693.3(POLG):c.2948A>T (p.Gln983Leu)

Gene: POLG (DNA polymerase gamma, catalytic subunit; minus strand). Cytogenetic location: 15q26.1.
Variant type: single nucleotide variant.
Coding change: c.2948A>T on transcript NM_002693.3 (MANE Select); coding-DNA position 2948, A replaced by T.
Protein change: p.Gln983Leu; replaces glutamine 983 with leucine.
Molecular consequence: missense variant.
Genome position (GRCh38, 1-based): chr15:89,320,799, T>A on the plus strand (A>T on the coding strand, the complement: POLG is on the minus strand). VCF-style: chr15-89320799-T-A. GRCh37 (hg19) VCF-style: chr15-89864030-T-A.
Other names: c.2948A>T, p.Gln983Leu (NM_001126131.2); short protein forms Q983L.
Identifiers: ClinVar variation 839030 (VCV000839030.6), dbSNP rs756679711, ClinGen allele CA7724318.

ClinVar aggregate classification (germline): Uncertain significance. Review status: criteria provided, multiple submitters, no conflicts (2 of 4 stars). 2 submissions from 2 submitters: Uncertain significance (2). Last evaluated 2023-09-20.

Conditions:
Progressive sclerosing poliodystrophy (MTDPS4A). Also called: NEURONAL DEGENERATION OF CHILDHOOD WITH LIVER DISEASE, PROGRESSIVE; Alpers Syndrome; Alpers-Huttenlocher Syndrome (AHS); ALPERS PROGRESSIVE INFANTILE POLIODYSTROPHY; Mitochondrial DNA Depletion Syndrome 4A; ALPERS DIFFUSE DEGENERATION OF CEREBRAL GRAY MATTER WITH HEPATIC CIRRHOSIS. Identifiers: Orphanet 726, MedGen C0205710, MONDO:0008758, OMIM 203700.

Allele frequency attached by ClinVar (database versions not stated): gnomAD exomes below 0.00001 and 0.00002; ExAC 0.00001.
gnomAD v4.1: 20 of 1,613,866 alleles (0.0012%); highest among the groups gnomAD compares: Non-Finnish European, 0.0017%; no homozygotes.

Submissions (2):

GeneDx
Classification: Uncertain significance. Last evaluated: 2023-09-20. Review status: criteria provided, single submitter. Criteria: GeneDx Variant Classification Process June 2021. Collection method: clinical testing. Allele origin: germline. Affected: yes.
Comment: Has not been previously published as pathogenic or benign to our knowledge; Not observed at a significant frequency in large population cohorts (gnomAD); In silico analysis supports that this missense variant does not alter protein structure/function

Labcorp Genetics (formerly Invitae), Labcorp
Classification: Uncertain significance for Progressive sclerosing poliodystrophy. Last evaluated: 2022-04-20. Review status: criteria provided, single submitter. Criteria: Invitae Variant Classification Sherloc (09022015). Collection method: clinical testing. Allele origin: germline.
Comment: This sequence change replaces glutamine, which is neutral and polar, with leucine, which is neutral and non-polar, at codon 983 of the POLG protein (p.Gln983Leu). This variant is present in population databases (rs756679711, gnomAD 0.0009%). This variant has not been reported in the literature in individuals affected with POLG-related conditions. ClinVar contains an entry for this variant (Variation ID: 839030). Algorithms developed to predict the effect of missense changes on protein structure and function (SIFT, PolyPhen-2, Align-GVGD) all suggest that this variant is likely to be tolerated. In summary, the available evidence is currently insufficient to determine the role of this variant in disease. Therefore, it has been classified as a Variant of Uncertain Significance.